The following is an entry in ClinVar:

NM_002386.4(MC1R):c.10C>T (p.Gln4Ter)

Gene: MC1R (melanocortin 1 receptor; plus strand). Cytogenetic location: 16q24.3.
Variant type: single nucleotide variant.
Coding change: c.10C>T on transcript NM_002386.4 (MANE Select); coding-DNA position 10, C replaced by T.
Protein change: p.Gln4Ter; replaces glutamine 4 with a stop codon.
Molecular consequence: nonsense.
Genome position (GRCh38, 1-based): chr16:89,919,268, C>T. VCF-style: chr16-89919268-C-T. GRCh37 (hg19) VCF-style: chr16-89985676-C-T.
Other names: short protein forms Q4*.
Identifiers: ClinVar variation 966431 (VCV000966431.7), dbSNP rs2045688422, ClinGen allele CA397458896.

ClinVar aggregate classification (germline): Uncertain significance (1 of 4 stars; one submission).

Conditions:
Melanoma, cutaneous malignant, susceptibility to, 5. Also called: Cutaneous malignant melanoma 5. Identifiers: Orphanet 618, MedGen C2751295, MONDO:0013133, OMIM 613099.

gnomAD v4.1: 1 of 1,573,390 alleles (0.000064%); highest among the groups gnomAD compares: Admixed American, 0.0019%; no homozygotes.

Submission:

Labcorp Genetics (formerly Invitae), Labcorp
Classification: Uncertain significance for Melanoma, cutaneous malignant, susceptibility to, 5. Last evaluated: 2023-08-30. Review status: criteria provided, single submitter. Criteria: Invitae Variant Classification Sherloc (09022015). Collection method: clinical testing. Allele origin: germline.
Comment: ClinVar contains an entry for this variant (Variation ID: 966431). This sequence change creates a premature translational stop signal (p.Gln4*) in the MC1R gene. While this is not anticipated to result in nonsense mediated decay, it is expected to disrupt the last 314 amino acid(s) of the MC1R protein. This variant is not present in population databases (gnomAD no frequency). This variant has not been reported in the literature in individuals affected with MC1R-related conditions. Experimental studies and prediction algorithms are not available or were not evaluated, and the functional significance of this variant is currently unknown. In summary, the available evidence is currently insufficient to determine the role of this variant in disease. Therefore, it has been classified as a Variant of Uncertain Significance.